The following is an entry in ClinVar:

NM_000218.3(KCNQ1):c.1616G>A (p.Arg539Gln)

Gene: KCNQ1 (potassium voltage-gated channel subfamily Q member 1; plus strand). Cytogenetic location: 11p15.5.
Variant type: single nucleotide variant.
Coding change: c.1616G>A on transcript NM_000218.3 (MANE Select); coding-DNA position 1616, G replaced by A.
Protein change: p.Arg539Gln; replaces arginine 539 with glutamine.
Molecular consequence: missense variant.
Genome position (GRCh38, 1-based): chr11:2,775,985, G>A. VCF-style: chr11-2775985-G-A. GRCh37 (hg19) VCF-style: chr11-2797215-G-A.
Other names: p.R539Q:CGG>CAG; c.1616G>A (LRG_287t1); c.1520G>A, p.Arg507Gln (NM_001406836.1); c.1346G>A, p.Arg449Gln (NM_001406837.1); c.1076G>A, p.Arg359Gln (NM_001406838.1); c.1235G>A, p.Arg412Gln (NM_181798.2); short protein forms R539Q, R412Q, R359Q, R449Q, R507Q.
Identifiers: ClinVar variation 67042 (VCV000067042.27), dbSNP rs199472794, ClinGen allele CA006001.
Genomic context (GRCh38, chr11:2,775,985, plus strand): 5'-GGAGGAGAAGTGATGCGTGTCTTTTTGTCCCGCAGCAAGCGCGGAAGCCTTACGATGTGC[G>A]GGACGTCATTGAGCAGTACTCGCAGGGCCACCTCAACCTCATGGTGCGCATCAAGGAGCT-3'
Protein context (NP_000209.2, residues 529-549): FQQARKPYDV[Arg539Gln]DVIEQYSQGH

ClinVar aggregate classification (germline): Pathogenic/Likely pathogenic. Review status: criteria provided, multiple submitters, no conflicts (2 of 4 stars). 7 submissions from 7 submitters: Pathogenic (1); Likely pathogenic (5). 1 of the submissions does not count toward it. Last evaluated 2026-10-14.

Conditions:
Cardiac arrhythmia. Also called: Arrhythmia; Cardiac rhythm disease. Identifiers: MedGen C0003811, MONDO:0007263, HP:0011675.
KCNQ1-related disorder. Also called: KCNQ1-related condition; KCNQ1-related disorders. Identifiers: MedGen CN239322.
Cardiovascular phenotype. Identifiers: MedGen CN230736.
Familial long QT syndrome (RWS). Also called: Congenital long QT syndrome; Romano-Ward syndrome; VENTRICULAR FIBRILLATION WITH PROLONGED QT INTERVAL. Identifiers: Orphanet 768, MedGen C1141890, MONDO:0019171.
Long QT syndrome (LQTS). Identifiers: MedGen C0023976, MeSH D008133, MONDO:0002442. Disease mechanism: loss of function. Inheritance: Various modes of inheritance.
Long QT syndrome 1 (LQT1). Identifiers: Orphanet 101016, Orphanet 768, MedGen C4551647, MONDO:0100316, OMIM 192500, MONDO:0008646.

Submissions (7):

GeneDx
Classification: Likely pathogenic. Last evaluated: 2026-10-14. Review status: criteria provided, single submitter. Criteria: GeneDx Variant Classification Process June 2021. Collection method: clinical testing. Allele origin: germline.
Comment: Reported in one individual with sudden cardiac arrest and a clinical diagnosis of Jervell and Lange-Nielsen syndrome and in individuals referred for LQTS genetic testing at GeneDx and in published literature (PMID: 28566242, 27920829, 19716085); Not observed at significant frequency in large population cohorts (gnomAD); In silico analysis supports that this missense variant has a deleterious effect on protein structure/function; This variant is associated with the following publications: (PMID: 19716085, 27920829, 28566242, 36243179, 15466642, 10728423, 23098067, 18174212, 32383558, 36578016, 31229680, 32893267)

Labcorp Genetics (formerly Invitae), Labcorp
Classification: Pathogenic for Long QT syndrome. Last evaluated: 2025-07-21. Review status: criteria provided, single submitter. Criteria: Invitae Variant Classification Sherloc (09022015). Collection method: clinical testing. Allele origin: germline.
Comment: This sequence change replaces arginine, which is basic and polar, with glutamine, which is neutral and polar, at codon 539 of the KCNQ1 protein (p.Arg539Gln). This variant is not present in population databases (gnomAD no frequency). This missense change has been observed in individuals with clinical features of long QT syndrome (PMID: 19716085; internal data). ClinVar contains an entry for this variant (Variation ID: 67042). Invitae Evidence Modeling of protein sequence and biophysical properties (such as structural, functional, and spatial information, amino acid conservation, physicochemical variation, residue mobility, and thermodynamic stability) has been performed for this missense variant. However, the output from this modeling did not meet the statistical confidence thresholds required to predict the impact of this variant on KCNQ1 protein function. This variant disrupts the p.Arg539 amino acid residue in KCNQ1. Other variant(s) that disrupt this residue have been determined to be pathogenic (PMID: 23098067, 23251633, 23631430, 24681627, 25559286). This suggests that this residue is clinically significant, and that variants that disrupt this residue are likely to be disease-causing. For these reasons, this variant has been classified as Pathogenic.

Ambry Genetics
Classification: Likely pathogenic for Cardiovascular phenotype. Last evaluated: 2024-11-25. Review status: criteria provided, single submitter. Criteria: Ambry Variant Classification Scheme 2023. Collection method: clinical testing. Allele origin: germline.
Comment: The p.R539Q variant (also known as c.1616G>A), located in coding exon 13 of the KCNQ1 gene, results from a G to A substitution at nucleotide position 1616. The arginine at codon 539 is replaced by glutamine, an amino acid with highly similar properties. This alteration has been reported in individuals with concerns for long QT syndrome, including individuals with sudden cardiac arrest (Kapplinger JD et al. Heart Rhythm, 2009 Sep;6:1297-303; Burns C et al. J Arrhythm, 2016 Dec;32:456-461; Jim&eacute;nez-J&aacute;imez J et al. Rev Esp Cardiol (Engl Ed), 2017 Oct;70:808-816; Walsh R et al. Genet Med, 2021 Jan;23:47-58; Ambry internal data). Based on internal structural analysis, this alteration disrupts the interaction with PIP2 which stabilizes the channel open state (Ambry internal data). This variant is considered to be rare based on population cohorts in the Genome Aggregation Database (gnomAD). This amino acid position is well conserved in available vertebrate species. In addition, this alteration is predicted to be deleterious by in silico analysis. Based on the majority of available evidence to date, this variant is likely to be pathogenic.

Blueprint Genetics
Classification: Likely pathogenic for KCNQ1-related disorders. Last evaluated: 2021-06-01. Review status: criteria provided, single submitter. Criteria: ACMG Guidelines, 2015. Collection method: clinical testing. Allele origin: germline. Affected: yes. Observed: 2 variant alleles.

Color Diagnostics, LLC DBA Color Health
Classification: Likely pathogenic for Cardiac arrhythmia. Last evaluated: 2019-05-28. Review status: criteria provided, single submitter. Criteria: ACMG Guidelines, 2015. Collection method: clinical testing. Allele origin: germline.
Comment: This missense variant replaces arginine with glutamine at codon 539 in the C-terminal cytoplasmic domain of the KCNQ1 protein. Computational prediction tools and conservation analyses suggest that this variant may have deleterious impact on the protein function. Computational splicing tools suggest that this variant may not impact RNA splicing. To our knowledge, functional assays have not been performed for this variant. This variant has been reported in multiple individuals referred for long QT syndrome genetic testing (PMID: 19716085) or affected with long QT syndrome (PMID: 27920829, 28566242). This variant has not been identified in the general population by the Genome Aggregation Database (gnomAD). A different missense variant occurring at the the same codon (p.Arg539Trp) is known to cause long QT syndrome (Clinvar variation ID 52998), suggesting that arginine at this position is important for the protein function. Based on available evidence, this variant is classified as Likely Pathogenic.

Agnes Ginges Centre for Molecular Cardiology, Centenary Institute
Classification: Likely pathogenic for Long QT syndrome 1. Last evaluated: 2017-03-14. Review status: criteria provided, single submitter. Criteria: Agnes Ginges Centre for Molecular Cardiology criteria (2015). Collection method: research. Allele origin: germline. Inheritance: Autosomal dominant inheritance. Affected: yes.
Comment: The KCNQ1 Arg539Gln has been reported previously in a case control study of 2500 patients referred for long QT genetic testing (Kapplinger JD, et al., 2009), as well as a long QT patient (Cardiovascular Biomedical Research Unit Royal Brompton & Harefield NHS Foundation Trust ClinVar: SCV000089124). Interestingly, another rare variant at this position (KCNQ1 Arg539Trp) has been classified as pathogenic; suggesting that an amino acid substitution at this site may not be tolerated. The variant is absent in the 1000 genomes project, as well as the Exome Aggregation Consortium dataset. Computational tools SIFT, MutationTaster, and PolyPhen-2 predict this variant to have a deleterious effect. This variant was discussed at our multidisciplinary pathogenicity meeting and based on rarity in the general population, pathogenic classification of another amino acid substitution at the same position, our familial data, in silico tools supportive of a deleterious effect and because the proband has a typical LQT1 phenotype which is known to be caused by genetic variation in only the KCNQ1 gene, we classify KCNQ1 Arg539Gln as "likely pathogenic".

Cardiovascular Biomedical Research Unit, Royal Brompton & Harefield NHS Foundation Trust
No classification provided. Condition: Familial long QT syndrome. Review status: no classification provided. Collection method: literature only. Allele origin: germline. Not counted in ClinVar's aggregate classification.
Comment: This variant has been reported as associated with Long QT syndrome in the following publications (PMID:19716085). This is a literature report, and does not necessarily reflect the clinical interpretation of the Imperial College / Royal Brompton Cardiovascular Genetics laboratory.

Literature cited by the submitters: PubMed 19716085 (cited by 4 submitters); PubMed 23098067 (cited by Labcorp Genetics (formerly Invitae), Labcorp); PubMed 23251633 (cited by Labcorp Genetics (formerly Invitae), Labcorp); PubMed 23631430 (cited by Labcorp Genetics (formerly Invitae), Labcorp); PubMed 24681627 (cited by Labcorp Genetics (formerly Invitae), Labcorp); PubMed 25559286 (cited by Labcorp Genetics (formerly Invitae), Labcorp); PubMed 27920829 (cited by Ambry Genetics); PubMed 28566242 (cited by Ambry Genetics); PubMed 32893267 (cited by Ambry Genetics); PubMed 10728423 (cited by Agnes Ginges Centre for Molecular Cardiology, Centenary Institute); PubMed 22581653 (cited by Cardiovascular Biomedical Research Unit, Royal Brompton & Harefield NHS Foundation Trust).